The following is an entry in ClinVar:

ClinVar aggregate classification (germline): Uncertain significance (1 of 4 stars; one submission).

Conditions:
Charcot-Marie-Tooth disease type 4. Also called: Charcot-Marie-Tooth, Type 4; Charcot-Marie-Tooth disease, type IV. Identifiers: Orphanet 64749, MedGen C4082197, MONDO:0018995.

Allele frequency attached by ClinVar (database versions not stated): gnomAD 0.00001; gnomAD exomes 0.00001; TOPMed 0.00001.
gnomAD v4.1: 14 of 1,613,986 alleles (0.00087%); highest among the groups gnomAD compares: Non-Finnish European, 0.0012%; no homozygotes.

Submission:

Labcorp Genetics (formerly Invitae), Labcorp
Classification: Uncertain significance for Charcot-Marie-Tooth disease type 4. Last evaluated: 2021-11-27. Review status: criteria provided, single submitter. Criteria: Invitae Variant Classification Sherloc (09022015). Collection method: clinical testing. Allele origin: germline.
Comment: This sequence change replaces serine, which is neutral and polar, with asparagine, which is neutral and polar, at codon 60 of the SH3TC2 protein (p.Ser60Asn). This variant is not present in population databases (gnomAD no frequency). This variant has not been reported in the literature in individuals affected with SH3TC2-related conditions. Advanced modeling of protein sequence and biophysical properties (such as structural, functional, and spatial information, amino acid conservation, physicochemical variation, residue mobility, and thermodynamic stability) performed at Invitae indicates that this missense variant is not expected to disrupt SH3TC2 protein function. In summary, the available evidence is currently insufficient to determine the role of this variant in disease. Therefore, it has been classified as a Variant of Uncertain Significance.

NM_024577.4(SH3TC2):c.179G>A (p.Ser60Asn)

Gene: SH3TC2 (SH3 domain and tetratricopeptide repeats 2; minus strand). Cytogenetic location: 5q32.
Variant type: single nucleotide variant.
Coding change: c.179G>A on transcript NM_024577.4 (MANE Select); coding-DNA position 179, G replaced by A.
Protein change: p.Ser60Asn; replaces serine 60 with asparagine.
Molecular consequence: missense variant.
Genome position (GRCh38, 1-based): chr5:149,047,962, C>T on the plus strand (G>A on the coding strand, the complement: SH3TC2 is on the minus strand). VCF-style: chr5-149047962-C-T. GRCh37 (hg19) VCF-style: chr5-148427525-C-T.
Other names: short protein forms S60N.
Identifiers: ClinVar variation 1507520 (VCV001507520.3), dbSNP rs1436597179, ClinGen allele CA361679373.